The following is an entry in ClinVar:

ClinVar aggregate classification (germline): Conflicting classifications of pathogenicity. Review status: criteria provided, conflicting classifications (1 of 4 stars). 8 submissions from 8 submitters: Uncertain significance (5); Likely benign (2). 1 of the submissions does not count toward it. Last evaluated 2026-01-15.

Conditions:
Inborn genetic diseases. Identifiers: MedGen C0950123, MeSH D030342.
HSPG2-related disorder. Also called: HSPG2-related condition; HSPG2-related disorders.

Allele frequency attached by ClinVar (database versions not stated): gnomAD 0.00075 and 0.00074; 1000 Genomes Project 30x 0.00078; TOPMed 0.00079; 1000 Genomes Project 0.00080; ESP Exome Variant Server 0.00100; gnomAD exomes 0.00025; ExAC 0.00038.
gnomAD v4.1: 227 of 1,610,236 alleles (0.014%); highest among the groups gnomAD compares: African/African-American, 0.22%; 2 homozygotes.

Submissions (8):

GeneDx
Classification: Uncertain significance. Last evaluated: 2026-01-15. Review status: criteria provided, single submitter. Criteria: GeneDx Variant Classification Process June 2021. Collection method: clinical testing. Allele origin: germline. Affected: yes.
Comment: In silico analysis supports that this missense variant has a deleterious effect on protein structure/function; Has not been previously published as pathogenic or benign to our knowledge

Labcorp Genetics (formerly Invitae), Labcorp
Classification: Likely benign. Last evaluated: 2025-04-28. Review status: criteria provided, single submitter. Criteria: Invitae Variant Classification Sherloc (09022015). Collection method: clinical testing. Allele origin: germline.

Blueprint Genetics
Classification: Uncertain significance. Last evaluated: 2024-10-08. Review status: criteria provided, single submitter. Criteria: ACMG Guidelines, 2015. Collection method: clinical testing. Allele origin: germline.

Ambry Genetics
Classification: Likely benign for Inborn genetic diseases. Last evaluated: 2021-06-29. Review status: criteria provided, single submitter. Criteria: Ambry Variant Classification Scheme 2023. Collection method: clinical testing. Allele origin: germline.

ARUP Laboratories, Molecular Genetics and Genomics, ARUP Laboratories
Classification: Uncertain significance. Last evaluated: 2021-03-09. Review status: criteria provided, single submitter. Criteria: ARUP Molecular Germline Variant Investigation Process 2021. Collection method: clinical testing. Allele origin: germline.
Comment: The HSPG2 c.4568G>A, p.Arg1523His variant (rs147633715), to our knowledge, has not been reported in the medical literature; however, this variant is listed in the ClinVar database (Variation ID: 709331). This variant is found in the general population with an overall allele frequency of 0.03% (78/266,510 alleles) in the Genome Aggregation Database. The arginine at codon 1523 is weakly conserved, and computational analyses predict that this variant is neutral (REVEL: 0.094). Based on the available information, the clinical significance of this variant is uncertain.

Revvity Omics, Revvity
Classification: Uncertain significance. Last evaluated: 2020-04-09. Review status: criteria provided, single submitter. Criteria: ACMG Guidelines, 2015. Collection method: clinical testing. Allele origin: germline.

Athena Diagnostics
Classification: Uncertain significance. Last evaluated: 2020-02-26. Review status: criteria provided, single submitter. Criteria: Athena Diagnostics Criteria. Collection method: clinical testing. Allele origin: unknown.

PreventionGenetics, part of Exact Sciences
Classification: Likely benign for HSPG2-related condition. Last evaluated: 2024-05-17. Review status: no assertion criteria provided. Collection method: clinical testing. Allele origin: germline. Not counted in ClinVar's aggregate classification.
Comment: This variant is classified as likely benign based on ACMG/AMP sequence variant interpretation guidelines (Richards et al. 2015 PMID: 25741868, with internal and published modifications).

NM_005529.7(HSPG2):c.4568G>A (p.Arg1523His)

Gene: HSPG2 (heparan sulfate proteoglycan 2; minus strand). Cytogenetic location: 1p36.12.
Variant type: single nucleotide variant.
Coding change: c.4568G>A on transcript NM_005529.7 (MANE Select); coding-DNA position 4568, G replaced by A.
Protein change: p.Arg1523His; replaces arginine 1523 with histidine.
Molecular consequence: missense variant.
Genome position (GRCh38, 1-based): chr1:21,864,901, C>T on the plus strand (G>A on the coding strand, the complement: HSPG2 is on the minus strand). VCF-style: chr1-21864901-C-T. GRCh37 (hg19) VCF-style: chr1-22191394-C-T.
Other names: c.4571G>A, p.Arg1524His (NM_001291860.2); short protein forms R1523H, R1524H.
Identifiers: ClinVar variation 709331 (VCV000709331.27), dbSNP rs147633715, ClinGen allele CA672230.